The following is an entry in ClinVar:

NM_005076.5(CNTN2):c.1007C>T (p.Thr336Ile)

Gene: CNTN2 (contactin 2; plus strand). Cytogenetic location: 1q32.1.
Variant type: single nucleotide variant.
Coding change: c.1007C>T on transcript NM_005076.5 (MANE Select); coding-DNA position 1007, C replaced by T.
Protein change: p.Thr336Ile; replaces threonine 336 with isoleucine.
Molecular consequence: missense variant. On other transcripts: non-coding transcript variant (1).
Genome position (GRCh38, 1-based): chr1:205,061,898, C>T. VCF-style: chr1-205061898-C-T. GRCh37 (hg19) VCF-style: chr1-205031026-C-T.
Other names: c.1007C>T, p.Thr336Ile (NM_001346083.2); short protein forms T336I.
Identifiers: ClinVar variation 1369329 (VCV001369329.5), dbSNP rs2151192330, ClinGen allele CA344410149.

ClinVar aggregate classification (germline): Uncertain significance (1 of 4 stars; one submission).

Conditions:
Epilepsy, familial adult myoclonic, 5 (EPEO5). Also called: CORTICAL MYOCLONIC TREMOR WITH EPILEPSY, FAMILIAL, 5. Identifiers: Orphanet 86814, MedGen C3809374, MONDO:0014167, OMIM 615400.

Submission:

Labcorp Genetics (formerly Invitae), Labcorp
Classification: Uncertain significance for Epilepsy, familial adult myoclonic, 5. Last evaluated: 2022-10-28. Review status: criteria provided, single submitter. Criteria: Invitae Variant Classification Sherloc (09022015). Collection method: clinical testing. Allele origin: germline.
Comment: This sequence change replaces threonine, which is neutral and polar, with isoleucine, which is neutral and non-polar, at codon 336 of the CNTN2 protein (p.Thr336Ile). This variant is not present in population databases (gnomAD no frequency). This variant has not been reported in the literature in individuals affected with CNTN2-related conditions. ClinVar contains an entry for this variant (Variation ID: 1369329). Advanced modeling of protein sequence and biophysical properties (such as structural, functional, and spatial information, amino acid conservation, physicochemical variation, residue mobility, and thermodynamic stability) performed at Invitae indicates that this missense variant is not expected to disrupt CNTN2 protein function. In summary, the available evidence is currently insufficient to determine the role of this variant in disease. Therefore, it has been classified as a Variant of Uncertain Significance.